The following is an entry in ClinVar:

NM_025132.4(WDR19):c.1956G>C (p.Met652Ile)

Gene: WDR19 (WD repeat domain 19; plus strand). Cytogenetic location: 4p14.
Variant type: single nucleotide variant.
Coding change: c.1956G>C on transcript NM_025132.4 (MANE Select); coding-DNA position 1956, G replaced by C.
Protein change: p.Met652Ile; replaces methionine 652 with isoleucine.
Molecular consequence: missense variant.
Genome position (GRCh38, 1-based): chr4:39,228,664, G>C. VCF-style: chr4-39228664-G-C. GRCh37 (hg19) VCF-style: chr4-39230284-G-C.
Other names: c.1476G>C, p.Met492Ile (NM_001317924.2); short protein forms M492I, M652I.
Identifiers: ClinVar variation 1051082 (VCV001051082.7), dbSNP rs746795141, ClinGen allele CA2891973.
Genomic context (GRCh38, chr4:39,228,664, plus strand): 5'-TAGCACCCATGGCTTTCTCAGCAACTTAAAAGATACGGGGCCTGACGAACTGAGACCAAT[G>C]CTGGCACAGAATTTAATGCTAAAGAGGTAGGCTTTCACACACTTCTTTTGGAACTTCTCA-3'
Protein context (NP_079408.3, residues 642-662): KDTGPDELRP[Met652Ile]LAQNLMLKRF

ClinVar aggregate classification (germline): Uncertain significance. Review status: criteria provided, multiple submitters, no conflicts (2 of 4 stars). 2 submissions from 2 submitters: Uncertain significance (2). Last evaluated 2022-06-04.

Conditions:
Asphyxiating thoracic dystrophy 5 (SRTD5). Also called: SHORT-RIB THORACIC DYSPLASIA 5 WITHOUT POLYDACTYLY; SHORT-RIB THORACIC DYSPLASIA 5 WITH OR WITHOUT POLYDACTYLY. Identifiers: Orphanet 474, MedGen C3280598, MONDO:0013717, OMIM 614376.
Nephronophthisis 13 (NPHP13). Identifiers: Orphanet 655, MedGen C3280612, MONDO:0013718, OMIM 614377.
Cranioectodermal dysplasia 4 (CED4). Identifiers: Orphanet 1515, MedGen C3280616, MONDO:0013719, OMIM 614378.
Senior-Loken syndrome 8 (SLSN8). Identifiers: Orphanet 3156, MedGen C4225376, MONDO:0014579, OMIM 616307.
Spermatogenic failure 72 (SPGF72). Identifiers: MedGen C5676980, MONDO:0030809, OMIM 619867.

Allele frequency attached by ClinVar (database versions not stated): TOPMed below 0.00001; ExAC 0.00001; gnomAD exomes 0.00001.
gnomAD v4.1: 13 of 1,602,204 alleles (0.00081%); highest among the groups gnomAD compares: Non-Finnish European, 0.0011%; no homozygotes.

Submissions (2):

Labcorp Genetics (formerly Invitae), Labcorp
Classification: Uncertain significance for Senior-Loken syndrome 8; Asphyxiating thoracic dystrophy 5. Last evaluated: 2022-06-04. Review status: criteria provided, single submitter. Criteria: Invitae Variant Classification Sherloc (09022015). Collection method: clinical testing. Allele origin: germline.
Comment: This sequence change replaces methionine, which is neutral and non-polar, with isoleucine, which is neutral and non-polar, at codon 652 of the WDR19 protein (p.Met652Ile). This variant is present in population databases (rs746795141, gnomAD 0.002%). This variant has not been reported in the literature in individuals affected with WDR19-related conditions. ClinVar contains an entry for this variant (Variation ID: 1051082). Algorithms developed to predict the effect of missense changes on protein structure and function (SIFT, PolyPhen-2, Align-GVGD) all suggest that this variant is likely to be tolerated. In summary, the available evidence is currently insufficient to determine the role of this variant in disease. Therefore, it has been classified as a Variant of Uncertain Significance.

Fulgent Genetics
Classification: Uncertain significance for Asphyxiating thoracic dystrophy 5; Nephronophthisis 13; Cranioectodermal dysplasia 4; Senior-Loken syndrome 8; Spermatogenic failure 72. Last evaluated: 2021-12-06. Review status: criteria provided, single submitter. Criteria: ACMG Guidelines, 2015. Collection method: clinical testing. Allele origin: unknown.